The following is an entry in ClinVar:

NM_000702.4(ATP1A2):c.2008A>G (p.Met670Val)

Gene: ATP1A2 (ATPase Na+/K+ transporting subunit alpha 2; plus strand). Cytogenetic location: 1q23.2.
Variant type: single nucleotide variant.
Coding change: c.2008A>G on transcript NM_000702.4 (MANE Select); coding-DNA position 2008, A replaced by G.
Protein change: p.Met670Val; replaces methionine 670 with valine.
Molecular consequence: missense variant.
Genome position (GRCh38, 1-based): chr1:160,135,188, A>G. VCF-style: chr1-160135188-A-G. GRCh37 (hg19) VCF-style: chr1-160104978-A-G.
Other names: short protein forms M670V.
Identifiers: ClinVar variation 588404 (VCV000588404.13), dbSNP rs1184210055, ClinGen allele CA343248542.
Genomic context (GRCh38, chr1:160,135,188, plus strand): 5'-CCCCACCCACCCTCCAGAGAAGCCAAGGCATGCGTGGTGCACGGCTCTGACCTGAAGGAC[A>G]TGACATCGGAGCAGCTCGATGAGATCCTCAAGAACCACACAGAGATCGTCTTTGCTCGAA-3'
Protein context (NP_000693.1, residues 660-680): CVVHGSDLKD[Met670Val]TSEQLDEILK

ClinVar aggregate classification (germline): Uncertain significance. Review status: criteria provided, multiple submitters, no conflicts (2 of 4 stars). 2 submissions from 2 submitters: Uncertain significance (2). Last evaluated 2023-11-28.

Conditions:
Inborn genetic diseases. Identifiers: MedGen C0950123, MeSH D030342.
Familial hemiplegic migraine. Identifiers: MedGen C0338484, MONDO:0000700.

gnomAD v4.1: 1 of 1,614,230 alleles (0.000062%); highest among the groups gnomAD compares: Non-Finnish European, 0.000085%; no homozygotes.

Submissions (2):

Labcorp Genetics (formerly Invitae), Labcorp
Classification: Uncertain significance for Familial hemiplegic migraine. Last evaluated: 2023-11-28. Review status: criteria provided, single submitter. Criteria: Invitae Variant Classification Sherloc (09022015). Collection method: clinical testing. Allele origin: germline.
Comment: This sequence change replaces methionine, which is neutral and non-polar, with valine, which is neutral and non-polar, at codon 670 of the ATP1A2 protein (p.Met670Val). This variant is not present in population databases (gnomAD no frequency). This variant has not been reported in the literature in individuals affected with ATP1A2-related conditions. ClinVar contains an entry for this variant (Variation ID: 588404). Advanced modeling of protein sequence and biophysical properties (such as structural, functional, and spatial information, amino acid conservation, physicochemical variation, residue mobility, and thermodynamic stability) performed at Invitae indicates that this missense variant is not expected to disrupt ATP1A2 protein function with a negative predictive value of 80%. In summary, the available evidence is currently insufficient to determine the role of this variant in disease. Therefore, it has been classified as a Variant of Uncertain Significance.

Ambry Genetics
Classification: Uncertain significance for Inborn genetic diseases. Last evaluated: 2017-02-24. Review status: criteria provided, single submitter. Criteria: Ambry Variant Classification Scheme 2023. Collection method: clinical testing. Allele origin: germline.
Comment: The p.M670V variant (also known as c.2008A>G), located in coding exon 15 of the ATP1A2 gene, results from an A to G substitution at nucleotide position 2008. The methionine at codon 670 is replaced by valine, an amino acid with highly similar properties. This amino acid position is highly conserved in available vertebrate species. In addition, this alteration is predicted to be deleterious by in silico analysis. Since supporting evidence is limited at this time, the clinical significance of this variant remains unclear.